The following is an entry in ClinVar:

ClinVar aggregate classification (germline): Likely pathogenic (0 of 4 stars; one submission).

Conditions:
X-linked cone-rod dystrophy. Identifiers: MedGen CN323387, MONDO:0021155.

Submission:

Genetic Eye Disease Investigation Unit, University of Auckland
Classification: Likely pathogenic for X-LINKED ROD CONE DYSTROPHY. Last evaluated: 2023-01-03. Review status: no assertion criteria provided. Collection method: clinical testing. Allele origin: maternal. Affected: yes. Observed: 5 variant alleles. Clinical features observed: Rod-cone dystrophy (HP:0000510).
Comment: 4 female obligate carriers radial FAF pattern

NM_006195.6(PBX3):c.945dup (p.Ala316fs)

Gene: PBX3 (PBX homeobox 3; plus strand). Cytogenetic location: 9q33.3.
Variant type: Duplication.
Coding change: c.945dup on transcript NM_006195.6 (MANE Select); coding-DNA position 945, one base duplicated (T; older notation c.945dupT).
Protein change: p.Ala316fs; shifts the reading frame from alanine 316.
Molecular consequence: frameshift variant. On other transcripts: non-coding transcript variant (2).
Genome position (GRCh38, 1-based): chr9:125,960,785, T duplicated. VCF-style (leftmost placement, unchanged base first): chr9-125960784-C-CT. GRCh37 (hg19) VCF-style: chr9-128723063-C-CT.
Other names: c.720dup, p.Ala241fs (NM_001134778.2); c.945dup, p.Ala316fs (NM_001330782.2); c.1008dup, p.Ala337Cysfs (NM_001411009.1); c.945_946insT (NM_006195.3); short protein forms A241fs, A316fs.
Identifiers: ClinVar variation 2430147 (VCV002430147.1), dbSNP rs2538917440, ClinGen allele CA2580079533.